The following is an entry in ClinVar:

ClinVar aggregate classification (germline): Uncertain significance (1 of 4 stars; one submission).

gnomAD v4.1: 4 of 1,610,074 alleles (0.00025%); highest among the groups gnomAD compares: African/African-American, 0.0054%; no homozygotes.

Submission:

Ambry Genetics
Classification: Uncertain significance. Last evaluated: 2025-11-23. Review status: criteria provided, single submitter. Criteria: Ambry Variant Classification Scheme 2023. Collection method: clinical testing. Allele origin: germline.
Comment: The p.L33V variant (also known as c.97C>G), located in coding exon 2 of the RAD51B gene, results from a C to G substitution at nucleotide position 97. The leucine at codon 33 is replaced by valine, an amino acid with highly similar properties. This amino acid position is conserved. In addition, this alteration is predicted to be tolerated by in silico analysis. Based on the available evidence, the clinical significance of this variant remains unclear.

NM_133510.4(RAD51B):c.97C>G (p.Leu33Val)

Gene: RAD51B (RAD51 paralog B; plus strand). Cytogenetic location: 14q24.1.
Variant type: single nucleotide variant.
Coding change: c.97C>G on transcript NM_133510.4 (MANE Select); coding-DNA position 97, C replaced by G.
Protein change: p.Leu33Val; replaces leucine 33 with valine.
Molecular consequence: missense variant. On other transcripts: 5 prime UTR variant (2).
Genome position (GRCh38, 1-based): chr14:67,825,476, C>G. VCF-style: chr14-67825476-C-G. GRCh37 (hg19) VCF-style: chr14-68292193-C-G.
Other names: c.97C>G, p.Leu33Val (NM_001321809.2, NM_001321810.2, NM_001321812.1 and 6 more transcripts); c.-18C>G (NM_001321815.1); c.-359C>G (NM_001321817.2); short protein forms L33V.
Identifiers: ClinVar variation 4575322 (VCV004575322.1).
Genomic context (GRCh38, chr14:67,825,476, plus strand): 5'-TCTTTGTTACACATATATGTTTAAAATACTCTCTTTATGTTTCTTTAGGACTTTTTATGT[C>G]TTTCCCCACTGGAGCTTATGAAGGTGACTGGTCTGAGTTATCGAGGTGTCCATGAACTTC-3'
Protein context (NP_598194.1, residues 23-43): QILTCQDFLC[Leu33Val]SPLELMKVTG